The following is an entry in ClinVar:

ClinVar aggregate classification (germline): Pathogenic (1 of 4 stars; one submission).

Submission:

GeneDx
Classification: Pathogenic. Last evaluated: 2024-01-02. Review status: criteria provided, single submitter. Criteria: GeneDx Variant Classification Process June 2021. Collection method: clinical testing. Allele origin: germline. Affected: yes.
Comment: Frameshift variant predicted to result in protein truncation or nonsense mediated decay in a gene for which loss of function is a known mechanism of disease; Not observed at significant frequency in large population cohorts (gnomAD); This variant is associated with the following publications: (PMID: 19344451)

NM_000127.3(EXT1):c.45_46del (p.Cys16fs)

Gene: EXT1 (exostosin glycosyltransferase 1; minus strand). Cytogenetic location: 8q24.11.
Variant type: Deletion.
Coding change: c.45_46del on transcript NM_000127.3 (MANE Select); coding-DNA positions 45 to 46, 2 bases deleted (TT; older notation c.45_46delTT).
Protein change: p.Cys16fs; shifts the reading frame from cysteine 16.
Molecular consequence: frameshift variant.
Genome position (GRCh38, 1-based): chr8:118,111,001-118,111,002, AA deleted on the plus strand (TT on the coding strand, the reverse complement: EXT1 is on the minus strand). VCF-style (leftmost placement, unchanged base first): chr8-118111000-CAA-C. GRCh37 (hg19) VCF-style: chr8-119123239-CAA-C.
Other names: short protein forms C16fs.
Identifiers: ClinVar variation 1334335 (VCV001334335.3), dbSNP rs2130045941, ClinGen allele CA2573052966.